The following is an entry in ClinVar:

NM_173660.5(DOK7):c.1205G>C (p.Arg402Pro)

Gene: DOK7 (docking protein 7; plus strand). Cytogenetic location: 4p16.3.
Variant type: single nucleotide variant.
Coding change: c.1205G>C on transcript NM_173660.5 (MANE Select); coding-DNA position 1205, G replaced by C.
Protein change: p.Arg402Pro; replaces arginine 402 with proline.
Molecular consequence: missense variant. On other transcripts: 3 prime UTR variant (1).
Genome position (GRCh38, 1-based): chr4:3,493,191, G>C. VCF-style: chr4-3493191-G-C. GRCh37 (hg19) VCF-style: chr4-3494918-G-C.
Other names: c.*426G>C (NM_001164673.2); c.275G>C, p.Arg92Pro (NM_001256896.2); c.1205G>C, p.Arg402Pro (NM_001301071.2); c.773G>C, p.Arg258Pro (NM_001363811.2); short protein forms R92P, R258P, R402P.
Identifiers: ClinVar variation 1485408 (VCV001485408.5), dbSNP rs370039804, ClinGen allele CA91557089.

ClinVar aggregate classification (germline): Uncertain significance (1 of 4 stars; one submission).

Conditions:
Congenital myasthenic syndrome 10. Also called: Myasthenia, limb-girdle, familial. Identifiers: Orphanet 590, MedGen C1850792, MONDO:0009690, OMIM 254300.
Fetal akinesia deformation sequence 1 (FADS1). Also called: Fetal akinesia sequence; Pena-Shokeir syndrome type I. Identifiers: Orphanet 994, MedGen C1276035, MONDO:0100101, OMIM 208150, HP:0001989.

gnomAD v4.1: 25 of 1,610,890 alleles (0.0016%); highest among the groups gnomAD compares: Admixed American, 0.005%; no homozygotes.

Submission:

Labcorp Genetics (formerly Invitae), Labcorp
Classification: Uncertain significance for Congenital myasthenic syndrome 10; Fetal akinesia deformation sequence 1. Last evaluated: 2025-09-02. Review status: criteria provided, single submitter. Criteria: Invitae Variant Classification Sherloc (09022015). Collection method: clinical testing. Allele origin: germline.
Comment: This sequence change replaces arginine, which is basic and polar, with proline, which is neutral and non-polar, at codon 402 of the DOK7 protein (p.Arg402Pro). This variant is present in population databases (no rsID available, gnomAD 0.006%). This variant has not been reported in the literature in individuals affected with DOK7-related conditions. ClinVar contains an entry for this variant (Variation ID: 1485408). Invitae Evidence Modeling of protein sequence and biophysical properties (such as structural, functional, and spatial information, amino acid conservation, physicochemical variation, residue mobility, and thermodynamic stability) indicates that this missense variant is not expected to disrupt DOK7 protein function with a negative predictive value of 80%. In summary, the available evidence is currently insufficient to determine the role of this variant in disease. Therefore, it has been classified as a Variant of Uncertain Significance.